The following is an entry in ClinVar:

ClinVar aggregate classification (germline): Likely benign. Review status: criteria provided, multiple submitters, no conflicts (2 of 4 stars). 4 submissions from 4 submitters: Likely benign (4). Last evaluated 2026-01-19.

Conditions:
Ataxia-telangiectasia syndrome (AT). Also called: Ataxia-telangiectasia, complementation group E; LOUIS-BAR SYNDROME; Cerebello-oculocutaneous telangiectasia; Immunodeficiency with ataxia telangiectasia; ATAXIA-TELANGIECTASIA, COMPLEMENTATION GROUP A; ATAXIA-TELANGIECTASIA, FRESNO VARIANT. Identifiers: Orphanet 100, MedGen C0004135, MONDO:0008840, OMIM 208900.
Hereditary cancer-predisposing syndrome. Also called: Tumor predisposition; Neoplastic Syndromes, Hereditary; Hereditary neoplastic syndrome; Hereditary Cancer Syndrome. Identifiers: Orphanet 140162, MedGen C0027672, MeSH D009386, MONDO:0015356.

Allele frequency attached by ClinVar (database versions not stated): gnomAD 0.00001; gnomAD exomes 0.00001 and 0.00004; TOPMed 0.00002; ExAC 0.00003; 1000 Genomes Project 30x 0.00031; 1000 Genomes Project 0.00040.
gnomAD v4.1: 20 of 1,609,686 alleles (0.0012%); highest among the groups gnomAD compares: East Asian, 0.013%; no homozygotes.

Submissions (4):

Labcorp Genetics (formerly Invitae), Labcorp
Classification: Likely benign for Ataxia-telangiectasia syndrome. Last evaluated: 2026-01-19. Review status: criteria provided, single submitter. Criteria: Invitae Variant Classification Sherloc (09022015). Collection method: clinical testing. Allele origin: germline.

Blueprint Genetics
Classification: Likely benign. Last evaluated: 2023-12-04. Review status: criteria provided, single submitter. Criteria: ACMG Guidelines, 2015. Collection method: clinical testing. Allele origin: germline.

GeneDx
Classification: Likely benign. Last evaluated: 2017-05-17. Review status: criteria provided, single submitter. Criteria: GeneDx Variant Classification (06012015). Collection method: clinical testing. Allele origin: germline. Affected: yes.
Comment: This variant is considered likely benign or benign based on one or more of the following criteria: it is a conservative change, it occurs at a poorly conserved position in the protein, it is predicted to be benign by multiple in silico algorithms, and/or has population frequency not consistent with disease.

Color Diagnostics, LLC DBA Color Health
Classification: Likely benign for Hereditary cancer-predisposing syndrome. Last evaluated: 2016-03-05. Review status: criteria provided, single submitter. Criteria: ACMG Guidelines, 2015. Collection method: clinical testing. Allele origin: germline.

NM_000051.4(ATM):c.2124+13A>T

Gene: ATM (ATM serine/threonine kinase; plus strand). Cytogenetic location: 11q22.3.
Variant type: single nucleotide variant.
Coding change: c.2124+13A>T on transcript NM_000051.4 (MANE Select); 13 bases into the intron after coding-DNA position 2124, A replaced by T.
Molecular consequence: intron variant.
Genome position (GRCh38, 1-based): chr11:108,254,052, A>T. VCF-style: chr11-108254052-A-T. GRCh37 (hg19) VCF-style: chr11-108124779-A-T.
Other names: c.2124+13A>T (NM_001351834.2).
Identifiers: ClinVar variation 377505 (VCV000377505.12), dbSNP rs199648955, ClinGen allele CA6264939.